The following is an entry in ClinVar:

ClinVar aggregate classification (germline): Pathogenic (1 of 4 stars; one submission).

Conditions:
Autosomal dominant nonsyndromic hearing loss 65. Also called: Deafness, autosomal dominant 65; TBC1D24-Related Autosomal Dominant Nonsyndromic Hearing Loss (DFNA). Identifiers: Orphanet 90635, MedGen C3892048, MONDO:0014470, OMIM 616044.
Developmental and epileptic encephalopathy, 1 (DEE1). Also called: X-linked infantile spasms; West's syndrome; Tonic spasms with clustering, arrest of psychomotor development and hypsarrhythmia on EEG; X-Linked Infantile Spasm Syndrome; OHTAHARA SYNDROME, X-LINKED; INFANTILE SPASM SYNDROME, X-LINKED 1. Identifiers: MedGen C3463992, MONDO:0010632, OMIM 308350. Disease mechanism: loss of function.

Submission:

Labcorp Genetics (formerly Invitae), Labcorp
Classification: Pathogenic for Developmental and epileptic encephalopathy, 1; Autosomal dominant nonsyndromic hearing loss 65. Last evaluated: 2021-02-01. Review status: criteria provided, single submitter. Criteria: Invitae Variant Classification Sherloc (09022015). Collection method: clinical testing. Allele origin: germline.
Comment: This sequence change creates a premature translational stop signal (p.Ile269Thrfs*43) in the TBC1D24 gene. It is expected to result in an absent or disrupted protein product. Loss-of-function variants in TBC1D24 are known to be pathogenic (PMID: 23526554, 24291220). For these reasons, this variant has been classified as Pathogenic. This variant has not been reported in the literature in individuals with TBC1D24-related conditions. This variant is not present in population databases (ExAC no frequency).

Literature cited by the submitters: PubMed 23526554; PubMed 24291220.

NM_001199107.2(TBC1D24):c.806del (p.Ile269fs)

Gene: TBC1D24 (TBC1 domain family member 24; plus strand). Cytogenetic location: 16p13.3.
Variant type: Deletion.
Coding change: c.806del on transcript NM_001199107.2 (MANE Select); coding-DNA position 806, one base deleted (T; older notation c.806delT).
Protein change: p.Ile269fs; shifts the reading frame from isoleucine 269.
Molecular consequence: frameshift variant.
Genome position (GRCh38, 1-based): chr16:2,496,954, T deleted. VCF-style (leftmost placement, unchanged base first): chr16-2496953-AT-A. GRCh37 (hg19) VCF-style: chr16-2546954-AT-A.
Other names: c.806del, p.Ile269fs (NM_020705.3); short protein forms I269fs.
Identifiers: ClinVar variation 1459471 (VCV001459471.6), dbSNP rs2141872499, ClinGen allele CA2573152003.